The following is an entry in ClinVar:

ClinVar aggregate classification (germline): Uncertain significance (1 of 4 stars; one submission).

gnomAD v4.1: 1 of 1,612,982 alleles (0.000062%); highest among the groups gnomAD compares: Non-Finnish European, 0.000085%; no homozygotes.

Submission:

Mayo Clinic Laboratories, Mayo Clinic
Classification: Uncertain significance. Last evaluated: 2023-08-17. Review status: criteria provided, single submitter. Criteria: ACMG Guidelines, 2015. Collection method: clinical testing. Allele origin: germline. Observed: 1 variant allele.
Comment: BP4_strong, PM2

NM_004370.6(COL12A1):c.797A>G (p.Asn266Ser)

Gene: COL12A1 (collagen type XII alpha 1 chain; minus strand). Cytogenetic location: 6q13.
Variant type: single nucleotide variant.
Coding change: c.797A>G on transcript NM_004370.6 (MANE Select); coding-DNA position 797, A replaced by G.
Protein change: p.Asn266Ser; replaces asparagine 266 with serine.
Molecular consequence: missense variant. On other transcripts: intron variant (2).
Genome position (GRCh38, 1-based): chr6:75,189,243, T>C on the plus strand (A>G on the coding strand, the complement: COL12A1 is on the minus strand). VCF-style: chr6-75189243-T-C. GRCh37 (hg19) VCF-style: chr6-75898959-T-C.
Other names: p.Asn266Ser; c.797A>G, p.Asn266Ser (NM_001424113.1, NM_001424114.1, NM_001424115.1); c.73+13477A>G (NM_001424116.1, NM_080645.3); short protein forms N266S.
Identifiers: ClinVar variation 3379700 (VCV003379700.1).